The following is an entry in ClinVar:

ClinVar aggregate classification (germline): Uncertain significance. Review status: criteria provided, multiple submitters, no conflicts (2 of 4 stars). 2 submissions from 2 submitters: Uncertain significance (2). Last evaluated 2025-05-23.

Conditions:
NIK deficiency. Also called: Primary immunodeficiency with multifaceted aberrant lymphoid immunity. Identifiers: Orphanet 447731, MedGen C5680065, MONDO:0018642.

Submissions (2):

Ambry Genetics
Classification: Uncertain significance. Last evaluated: 2025-05-23. Review status: criteria provided, single submitter. Criteria: Ambry Variant Classification Scheme 2023. Collection method: clinical testing. Allele origin: germline.

Labcorp Genetics (formerly Invitae), Labcorp
Classification: Uncertain significance for NIK deficiency. Last evaluated: 2022-12-02. Review status: criteria provided, single submitter. Criteria: Invitae Variant Classification Sherloc (09022015). Collection method: clinical testing. Allele origin: germline.
Comment: This sequence change replaces glycine, which is neutral and non-polar, with arginine, which is basic and polar, at codon 10 of the MAP3K14 protein (p.Gly10Arg). In summary, the available evidence is currently insufficient to determine the role of this variant in disease. Therefore, it has been classified as a Variant of Uncertain Significance. Experimental studies and prediction algorithms are not available or were not evaluated, and the functional significance of this variant is currently unknown. ClinVar contains an entry for this variant (Variation ID: 1513822). This variant has not been reported in the literature in individuals affected with MAP3K14-related conditions. This variant is not present in population databases (gnomAD no frequency).

NM_003954.5(MAP3K14):c.28G>C (p.Gly10Arg)

Gene: MAP3K14 (mitogen-activated protein kinase kinase kinase 14; minus strand). Cytogenetic location: 17q21.31.
Variant type: single nucleotide variant.
Coding change: c.28G>C on transcript NM_003954.5 (MANE Select); coding-DNA position 28, G replaced by C.
Protein change: p.Gly10Arg; replaces glycine 10 with arginine.
Molecular consequence: missense variant.
Genome position (GRCh38, 1-based): chr17:45,290,718, C>G on the plus strand (G>C on the coding strand, the complement: MAP3K14 is on the minus strand). VCF-style: chr17-45290718-C-G. GRCh37 (hg19) VCF-style: chr17-43368084-C-G.
Other names: c.28G>C (NM_003954.3); short protein forms G10R.
Identifiers: ClinVar variation 1513822 (VCV001513822.7), dbSNP rs2143830849, ClinGen allele CA399892553.
Genomic context (GRCh38, chr17:45,290,718, plus strand): 5'-GCGTCTTCTCCTTGGCTTTGGGGAGTTCCTTCTGCTGCCCCACTGCTGAGCCAGGGGCAC[C>G]TGGGCAGGCCATTTCCATCACTGCCATCTCCCAGGCTTGTGCTCATCCTGAGAGAGACCA-3'
Protein context (NP_003945.2, residues 1-20): MAVMEMACP[Gly10Arg]APGSAVGQQK